The following is an entry in ClinVar:

NM_002900.3(RBP3):c.920C>T (p.Thr307Ile)

Gene: RBP3 (retinol binding protein 3; plus strand). Cytogenetic location: 10q11.22.
Variant type: single nucleotide variant.
Coding change: c.920C>T on transcript NM_002900.3 (MANE Select); coding-DNA position 920, C replaced by T.
Protein change: p.Thr307Ile; replaces threonine 307 with isoleucine.
Molecular consequence: missense variant.
Genome position (GRCh38, 1-based): chr10:47,349,404, C>T. VCF-style: chr10-47349404-C-T. GRCh37 (hg19) VCF-style: chr10-48389958-G-A.
Other names: short protein forms T307I.
Identifiers: ClinVar variation 1506636 (VCV001506636.7), dbSNP rs782141561, ClinGen allele CA5487658.

ClinVar aggregate classification (germline): Uncertain significance. Review status: criteria provided, multiple submitters, no conflicts (2 of 4 stars). 2 submissions from 2 submitters: Uncertain significance (2). Last evaluated 2025-03-03.

Allele frequency attached by ClinVar (database versions not stated): gnomAD 0.00001; gnomAD exomes 0.00002; ExAC 0.00003.
gnomAD v4.1: 24 of 1,611,778 alleles (0.0015%); highest among the groups gnomAD compares: Middle Eastern, 0.033%; no homozygotes.

Submissions (2):

Labcorp Genetics (formerly Invitae), Labcorp
Classification: Uncertain significance. Last evaluated: 2025-03-03. Review status: criteria provided, single submitter. Criteria: Invitae Variant Classification Sherloc (09022015). Collection method: clinical testing. Allele origin: germline.
Comment: This sequence change replaces threonine, which is neutral and polar, with isoleucine, which is neutral and non-polar, at codon 307 of the RBP3 protein (p.Thr307Ile). This variant is present in population databases (rs782141561, gnomAD 0.01%). This variant has not been reported in the literature in individuals affected with RBP3-related conditions. ClinVar contains an entry for this variant (Variation ID: 1506636). Invitae Evidence Modeling of protein sequence and biophysical properties (such as structural, functional, and spatial information, amino acid conservation, physicochemical variation, residue mobility, and thermodynamic stability) indicates that this missense variant is not expected to disrupt RBP3 protein function with a negative predictive value of 80%. In summary, the available evidence is currently insufficient to determine the role of this variant in disease. Therefore, it has been classified as a Variant of Uncertain Significance.

Blueprint Genetics
Classification: Uncertain significance. Last evaluated: 2024-09-23. Review status: criteria provided, single submitter. Criteria: ACMG Guidelines, 2015. Collection method: clinical testing. Allele origin: germline.